The following is an entry in ClinVar:

ClinVar aggregate classification (germline): Uncertain significance. Review status: criteria provided, multiple submitters, no conflicts (2 of 4 stars). 3 submissions from 3 submitters: Uncertain significance (3). Last evaluated 2024-04-03.

Conditions:
Fanconi anemia (FA). Also called: Fanconi's anemia. Identifiers: Orphanet 84, MedGen C0015625, MeSH D005199, MONDO:0019391.
Fanconi anemia complementation group I (FANCI). Also called: FANCI-Related Fanconi Anemia. Identifiers: Orphanet 84, MedGen C1836861, MONDO:0012186, OMIM 609053.

Allele frequency attached by ClinVar (database versions not stated): ExAC 0.00001; gnomAD 0.00003 and 0.00004; gnomAD exomes 0.00003; TOPMed 0.00005.
gnomAD v4.1: 57 of 1,613,596 alleles (0.0035%); highest among the groups gnomAD compares: African/African-American, 0.008%; no homozygotes.

Submissions (3):

Fulgent Genetics
Classification: Uncertain significance for Fanconi anemia complementation group I. Last evaluated: 2024-04-03. Review status: criteria provided, single submitter. Criteria: ACMG Guidelines, 2015. Collection method: clinical testing. Allele origin: germline.

Labcorp Genetics (formerly Invitae), Labcorp
Classification: Uncertain significance for Fanconi anemia. Last evaluated: 2024-02-19. Review status: criteria provided, single submitter. Criteria: Invitae Variant Classification Sherloc (09022015). Collection method: clinical testing. Allele origin: germline.
Comment: This sequence change replaces tyrosine, which is neutral and polar, with cysteine, which is neutral and slightly polar, at codon 635 of the FANCI protein (p.Tyr635Cys). This variant is present in population databases (rs764435343, gnomAD 0.01%). This variant has not been reported in the literature in individuals affected with FANCI-related conditions. ClinVar contains an entry for this variant (Variation ID: 456199). Advanced modeling of protein sequence and biophysical properties (such as structural, functional, and spatial information, amino acid conservation, physicochemical variation, residue mobility, and thermodynamic stability) performed at Invitae indicates that this missense variant is expected to disrupt FANCI protein function with a positive predictive value of 80%. In summary, the available evidence is currently insufficient to determine the role of this variant in disease. Therefore, it has been classified as a Variant of Uncertain Significance.

Sema4
Classification: Uncertain significance for Fanconi anemia. Last evaluated: 2022-02-10. Review status: criteria provided, single submitter. Criteria: Sema4 Curation Guidelines. Collection method: curation. Allele origin: germline.
Comment: The FANCI c.1904A>G (p.Y635C) has not been reported in the literature to our knowledge. This variant was observed in 8/282680 chromosomes across all populations in the large and broad cohorts in the Genome Aggregation Database (PMID: 32461654). The variant has been reported in ClinVar (Variation ID: 456199). Functional studies have not been performed, and in silico predictions of the variant's effect on protein function are inconclusive. The evidence is insufficient to meet ACMG/AMP criteria for classifying the variant as benign or pathogenic. Thus, the clinical significance of this variant is currently uncertain.

NM_001113378.2(FANCI):c.1904A>G (p.Tyr635Cys)

Gene: FANCI (FA complementation group I; plus strand). Cytogenetic location: 15q26.1.
Variant type: single nucleotide variant.
Coding change: c.1904A>G on transcript NM_001113378.2 (MANE Select); coding-DNA position 1904, A replaced by G.
Protein change: p.Tyr635Cys; replaces tyrosine 635 with cysteine.
Molecular consequence: missense variant.
Genome position (GRCh38, 1-based): chr15:89,291,626, A>G. VCF-style: chr15-89291626-A-G. GRCh37 (hg19) VCF-style: chr15-89834857-A-G.
Other names: c.1625A>G, p.Tyr542Cys (NM_001376910.1); c.1904A>G, p.Tyr635Cys (NM_001376911.1, NM_018193.3); short protein forms Y635C, Y542C.
Identifiers: ClinVar variation 456199 (VCV000456199.8), dbSNP rs764435343, ClinGen allele CA7723215.